The following is an entry in ClinVar:

NM_033380.3(COL4A5):c.3509G>T (p.Gly1170Val)

Gene: COL4A5 (collagen type IV alpha 5 chain; plus strand). Cytogenetic location: Xq22.3.
Variant type: single nucleotide variant.
Coding change: c.3509G>T on transcript NM_033380.3 (MANE Select); coding-DNA position 3509, G replaced by T.
Protein change: p.Gly1170Val; replaces glycine 1170 with valine.
Molecular consequence: missense variant.
Genome position (GRCh38, 1-based): chrX:108,666,550, G>T. VCF-style: chrX-108666550-G-T. GRCh37 (hg19) VCF-style: chrX-107909780-G-T.
Other names: c.3509G>T, p.Gly1170Val (NM_000495.5); short protein forms G1170V.
Identifiers: ClinVar variation 2138706 (VCV002138706.4), dbSNP rs1060499710, ClinGen allele CA413847772.
Genomic context (GRCh38, chrX:108,666,550, plus strand): 5'-TTTTAGGTGGTGGAGGTCATCCTGGGCAACCAGGGCCTCCAGGCGAAAAAGGCAAACCCG[G>T]TCAAGATGGTATTCCTGGACCAGCTGGACAGAAGGGTGAACCAGGTGCTGTAGTTTTTCA-3'
Protein context (NP_203699.1, residues 1160-1180): PGPPGEKGKP[Gly1170Val]QDGIPGPAGQ

ClinVar aggregate classification (germline): Likely pathogenic (1 of 4 stars; one submission).

Submission:

Labcorp Genetics (formerly Invitae), Labcorp
Classification: Likely pathogenic. Last evaluated: 2022-03-18. Review status: criteria provided, single submitter. Criteria: Invitae Variant Classification Sherloc (09022015). Collection method: clinical testing. Allele origin: germline.
Comment: This sequence change replaces glycine, which is neutral and non-polar, with valine, which is neutral and non-polar, at codon 1170 of the COL4A5 protein (p.Gly1170Val). This variant is not present in population databases (gnomAD no frequency). This missense change has been observed in individual(s) with Alport syndrome (PMID: 28542346). Advanced modeling of protein sequence and biophysical properties (such as structural, functional, and spatial information, amino acid conservation, physicochemical variation, residue mobility, and thermodynamic stability) performed at Invitae indicates that this missense variant is expected to disrupt COL4A5 protein function. This variant disrupts the triple helix domain of COL4A5. Glycine residues within the Gly-Xaa-Yaa repeats of the triple helix domain are required for the structure and stability of fibrillar collagens (PMID: 7695699, 8218237, 19344236). In COL4A5, missense variants at these glycine residues are significantly enriched in individuals with disease (PMID: 23720012, 27627812) compared to the general population (ExAC). This variant disrupts the p.Gly1170 amino acid residue in COL4A5. Other variant(s) that disrupt this residue have been observed in individuals with COL4A5-related conditions (PMID: 10561141), which suggests that this may be a clinically significant amino acid residue. In summary, the currently available evidence indicates that the variant is pathogenic, but additional data are needed to prove that conclusively. Therefore, this variant has been classified as Likely Pathogenic.

Literature cited by the submitters: PubMed 28542346; PubMed 7695699; PubMed 8218237; PubMed 19344236; PubMed 23720012; PubMed 27627812; PubMed 10561141.